The following is an entry in ClinVar:

ClinVar aggregate classification (germline): Uncertain significance. Review status: criteria provided, single submitter (1 of 4 stars). 2 submissions from 2 submitters: Uncertain significance (1). 1 of the submissions does not count toward it. Last evaluated 2024-03-19.

Conditions:
Inborn genetic diseases. Identifiers: MedGen C0950123, MeSH D030342.
SIM1-related disorder. Also called: SIM1-related condition; SIM1-related disorders.

gnomAD v4.1: 12 of 1,614,106 alleles (0.00074%); highest among the groups gnomAD compares: East Asian, 0.0022%; no homozygotes.

Submissions (2):

Ambry Genetics
Classification: Uncertain significance for Inborn genetic diseases. Last evaluated: 2024-03-19. Review status: criteria provided, single submitter. Criteria: Ambry Variant Classification Scheme 2023. Collection method: clinical testing. Allele origin: germline.

PreventionGenetics, part of Exact Sciences
Classification: Uncertain significance for SIM1-related condition. Last evaluated: 2024-02-07. Review status: no assertion criteria provided. Collection method: clinical testing. Allele origin: germline. Not counted in ClinVar's aggregate classification.
Comment: The SIM1 c.1969C>T variant is predicted to result in the amino acid substitution p.Arg657Trp. To our knowledge, this variant has not been reported in the literature. This variant is reported in 0.0054% of alleles in individuals of East Asian descent in gnomAD. At this time, the clinical significance of this variant is uncertain due to the absence of conclusive functional and genetic evidence.

NM_005068.3(SIM1):c.1969C>T (p.Arg657Trp)

Gene: SIM1 (SIM bHLH transcription factor 1; minus strand). Cytogenetic location: 6q16.3.
Variant type: single nucleotide variant.
Coding change: c.1969C>T on transcript NM_005068.3 (MANE Select); coding-DNA position 1969, C replaced by T.
Protein change: p.Arg657Trp; replaces arginine 657 with tryptophan.
Molecular consequence: missense variant.
Genome position (GRCh38, 1-based): chr6:100,390,693, G>A on the plus strand (C>T on the coding strand, the complement: SIM1 is on the minus strand). VCF-style: chr6-100390693-G-A. GRCh37 (hg19) VCF-style: chr6-100838569-G-A.
Other names: c.1969C>T, p.Arg657Trp (NM_001374769.1); short protein forms R657W.
Identifiers: ClinVar variation 3318539 (VCV003318539.2).